The following is an entry in ClinVar:

NM_001849.4(COL6A2):c.928G>T (p.Gly310Cys)

Gene: COL6A2 (collagen type VI alpha 2 chain; plus strand). Cytogenetic location: 21q22.3.
Variant type: single nucleotide variant.
Coding change: c.928G>T on transcript NM_001849.4 (MANE Select); coding-DNA position 928, G replaced by T.
Protein change: p.Gly310Cys; replaces glycine 310 with cysteine.
Molecular consequence: missense variant.
Genome position (GRCh38, 1-based): chr21:46,116,651, G>T. VCF-style: chr21-46116651-G-T. GRCh37 (hg19) VCF-style: chr21-47536565-G-T.
Other names: c.928G>T, p.Gly310Cys (NM_058174.3, NM_058175.3); short protein forms G310C.
Identifiers: ClinVar variation 3067563 (VCV003067563.21), dbSNP rs2516996853, ClinGen allele CA410526834.

ClinVar aggregate classification (germline): Likely pathogenic (1 of 4 stars; one submission).

Submission:

CeGaT Center for Human Genetics Tuebingen
Classification: Likely pathogenic. Last evaluated: 2024-03-01. Review status: criteria provided, single submitter. Criteria: CeGaT Center For Human Genetics Tuebingen Variant Classification Criteria Version 2. Collection method: clinical testing. Allele origin: germline. Affected: yes. Observed: 1 variant allele.
Comment: COL6A2: PM1:Strong, PM2, PP3, PS4:Supporting